The following is an entry in ClinVar:

ClinVar aggregate classification (germline): Uncertain significance (1 of 4 stars; one submission).

Submission:

Ambry Genetics
Classification: Uncertain significance. Last evaluated: 2024-07-11. Review status: criteria provided, single submitter. Criteria: Ambry Variant Classification Scheme 2023. Collection method: clinical testing. Allele origin: germline.
Comment: The p.I378V variant (also known as c.1132A>G), located in coding exon 9 of the RECQL gene, results from an A to G substitution at nucleotide position 1132. The isoleucine at codon 378 is replaced by valine, an amino acid with highly similar properties. This amino acid position is conserved. In addition, the in silico prediction for this alteration is inconclusive. Based on the available evidence, the clinical significance of this variant remains unclear.

NM_002907.4(RECQL):c.1132A>G (p.Ile378Val)

Gene: RECQL (RecQ like helicase; minus strand). Cytogenetic location: 12p12.1.
Variant type: single nucleotide variant.
Coding change: c.1132A>G on transcript NM_002907.4 (MANE Select); coding-DNA position 1132, A replaced by G.
Protein change: p.Ile378Val; replaces isoleucine 378 with valine.
Molecular consequence: missense variant.
Genome position (GRCh38, 1-based): chr12:21,475,552, T>C on the plus strand (A>G on the coding strand, the complement: RECQL is on the minus strand). VCF-style: chr12-21475552-T-C. GRCh37 (hg19) VCF-style: chr12-21628486-T-C.
Other names: c.1132A>G, p.Ile378Val (NM_032941.3); short protein forms I378V.
Identifiers: ClinVar variation 3431770 (VCV003431770.1).